The following is an entry in ClinVar:

NM_033400.3(ZFHX2):c.3243G>A (p.Pro1081=)

Genes: THTPA (thiamine triphosphatase; plus strand), ZFHX2 (zinc finger homeobox 2; minus strand). Cytogenetic location: 14q11.2.
Variant type: single nucleotide variant.
Coding change: c.3243G>A on transcript NM_033400.3 (MANE Select); coding-DNA position 3243, G replaced by A.
Protein change: p.Pro1081=; no amino-acid change (proline 1081 retained).
Molecular consequence: synonymous variant.
Genome position (GRCh38, 1-based): chr14:23,526,866, C>T on the plus strand (G>A on the coding strand, the complement: ZFHX2 is on the minus strand). VCF-style: chr14-23526866-C-T. GRCh37 (hg19) VCF-style: chr14-23996075-C-T.
Identifiers: ClinVar variation 3058654 (VCV003058654.2), dbSNP rs549697582, ClinGen allele CA7116999.

ClinVar aggregate classification (germline): Likely benign (0 of 4 stars; one submission).

Conditions:
ZFHX2-related disorder. Also called: ZFHX2-related condition.

Allele frequency attached by ClinVar (database versions not stated): gnomAD 0.00004; gnomAD exomes 0.00004; TOPMed 0.00004; ExAC 0.00009; 1000 Genomes Project 30x 0.00031; 1000 Genomes Project 0.00040.
gnomAD v4.1: 66 of 1,532,152 alleles (0.0043%); highest among the groups gnomAD compares: South Asian, 0.055%; no homozygotes.

Submission:

PreventionGenetics, part of Exact Sciences
Classification: Likely benign for ZFHX2-related condition. Last evaluated: 2019-04-12. Review status: no assertion criteria provided. Collection method: clinical testing. Allele origin: germline.
Comment: This variant is classified as likely benign based on ACMG/AMP sequence variant interpretation guidelines (Richards et al. 2015 PMID: 25741868, with internal and published modifications).